The following is an entry in ClinVar:

ClinVar aggregate classification (germline): Pathogenic (1 of 4 stars; one submission).

Conditions:
Early-infantile DEE. Also called: Ohtahara syndrome; Early infantile epileptic encephalopathy with suppression bursts; Early infantile epileptic encephalopathy. Identifiers: Orphanet 1934, MedGen C0393706, MONDO:0800491.

Submission:

Labcorp Genetics (formerly Invitae), Labcorp
Classification: Pathogenic for Early-infantile DEE. Last evaluated: 2025-08-20. Review status: criteria provided, single submitter. Criteria: Invitae Variant Classification Sherloc (09022015). Collection method: clinical testing. Allele origin: germline.
Comment: This sequence change creates a premature translational stop signal (p.Gln3*) in the KCNQ2 gene. It is expected to result in an absent or disrupted protein product. Loss-of-function variants in KCNQ2 are known to be pathogenic (PMID: 14534157, 23692823, 27779742). This variant is not present in population databases (gnomAD no frequency). This variant has not been reported in the literature in individuals affected with KCNQ2-related conditions. For these reasons, this variant has been classified as Pathogenic.

Literature cited by the submitters: PubMed 14534157; PubMed 23692823; PubMed 27779742.

NM_172107.4(KCNQ2):c.7C>T (p.Gln3Ter)

Gene: KCNQ2 (potassium voltage-gated channel subfamily Q member 2; minus strand). Cytogenetic location: 20q13.33.
Variant type: single nucleotide variant.
Coding change: c.7C>T on transcript NM_172107.4 (MANE Select); coding-DNA position 7, C replaced by T.
Protein change: p.Gln3Ter; replaces glutamine 3 with a stop codon.
Molecular consequence: nonsense.
Genome position (GRCh38, 1-based): chr20:63,472,457, G>A on the plus strand (C>T on the coding strand, the complement: KCNQ2 is on the minus strand). VCF-style: chr20-63472457-G-A. GRCh37 (hg19) VCF-style: chr20-62103810-G-A.
Other names: c.7C>T, p.Gln3Ter (NM_001382235.1, NM_001439003.1, NM_001439004.1 and 4 more transcripts); short protein forms Q3*.
Identifiers: ClinVar variation 4718575 (VCV004718575.1).